The following is an entry in ClinVar:

ClinVar aggregate classification (germline): Benign. Review status: criteria provided, multiple submitters, no conflicts (2 of 4 stars). 2 submissions from 2 submitters: Benign (2). Last evaluated 2018-01-13.

Conditions:
Osteogenesis imperfecta type 7 (OI7). Also called: OI type 7; OI type VII; OSTEOGENESIS IMPERFECTA, TYPE IIB; Osteogenesis imperfecta type 2B; OI type 2B; Osteogenesis imperfecta, perinatal lethal autosomal recessive. Identifiers: MedGen C1853162, MONDO:0012536, OMIM 610682.

Allele frequency attached by ClinVar (database versions not stated): TOPMed 0.24099; gnomAD 0.24367 and 0.24746; 1000 Genomes Project 30x 0.29450; 1000 Genomes Project 0.30192; gnomAD exomes 0.33482.
gnomAD v4.1: 37,630 of 152,382 alleles (25%); highest among the groups gnomAD compares: East Asian, 49%; 4,962 homozygotes.

Submissions (2):

Illumina Laboratory Services, Illumina
Classification: Benign for Osteogenesis imperfecta type 7. Last evaluated: 2018-01-13. Review status: criteria provided, single submitter. Criteria: ICSL Variant Classification Criteria 13 December 2019. Collection method: clinical testing. Allele origin: germline.
Comment: This variant was observed in the ICSL laboratory as part of a predisposition screen in an ostensibly healthy population. It had not been previously curated by ICSL or reported in the Human Gene Mutation Database (HGMD: prior to June 1st, 2018), and was therefore a candidate for classification through an automated scoring system. Utilizing variant allele frequency, disease prevalence and penetrance estimates, and inheritance mode, an automated score was calculated to assess if this variant is too frequent to cause the disease. Based on the score and internal cut-off values, a variant classified as benign is not then subjected to further curation. The score for this variant resulted in a classification of benign for this disease.

Breakthrough Genomics
Classification: Benign. Review status: criteria provided, single submitter. Criteria: ACMG Guidelines, 2015. Collection method: not provided. Allele origin: germline. Inheritance: Autosomal recessive inheritance. Affected: yes.

NM_006371.5(CRTAP):c.*1467G>A

Gene: CRTAP (cartilage associated protein; plus strand). Cytogenetic location: 3p22.3.
Variant type: single nucleotide variant.
Coding change: c.*1467G>A on transcript NM_006371.5 (MANE Select); 1467 bases downstream of the stop codon, G replaced by A.
Molecular consequence: 3 prime UTR variant.
Genome position (GRCh38, 1-based): chr3:33,143,915, G>A. VCF-style: chr3-33143915-G-A. GRCh37 (hg19) VCF-style: chr3-33185407-G-A.
Other names: c.*1467G>A (NM_001393363.1, NM_001393364.1, NM_001393365.1).
Identifiers: ClinVar variation 344838 (VCV000344838.6), dbSNP rs4678475, ClinGen allele CA10616151.